The following is an entry in ClinVar:

ClinVar aggregate classification (germline): Uncertain significance (1 of 4 stars; one submission).

Submission:

Labcorp Genetics (formerly Invitae), Labcorp
Classification: Uncertain significance. Last evaluated: 2025-10-21. Review status: criteria provided, single submitter. Criteria: Invitae Variant Classification Sherloc (09022015). Collection method: clinical testing. Allele origin: germline.
Comment: This sequence change falls in intron 21 of the CACNA2D4 gene. It does not directly change the encoded amino acid sequence of the CACNA2D4 protein. This variant is not present in population databases (gnomAD no frequency). This variant has not been reported in the literature in individuals affected with CACNA2D4-related conditions. ClinVar contains an entry for this variant (Variation ID: 2744128). Algorithms developed to predict the effect of sequence changes on RNA splicing suggest that this variant may disrupt the consensus splice site. In summary, the available evidence is currently insufficient to determine the role of this variant in disease. Therefore, it has been classified as a Variant of Uncertain Significance.

NM_172364.5(CACNA2D4):c.2055-9G>A

Gene: CACNA2D4 (calcium voltage-gated channel auxiliary subunit alpha2delta 4; minus strand). Cytogenetic location: 12p13.33.
Variant type: single nucleotide variant.
Coding change: c.2055-9G>A on transcript NM_172364.5 (MANE Select); 9 bases into the intron before coding-DNA position 2055, G replaced by A.
Molecular consequence: intron variant.
Genome position (GRCh38, 1-based): chr12:1,856,118, C>T on the plus strand (G>A on the coding strand, the complement: CACNA2D4 is on the minus strand). VCF-style: chr12-1856118-C-T. GRCh37 (hg19) VCF-style: chr12-1965284-C-T.
Identifiers: ClinVar variation 2744128 (VCV002744128.3), dbSNP rs2498042176, ClinGen allele CA2697559065.